The following is an entry in ClinVar:

ClinVar aggregate classification (germline): Uncertain significance (1 of 4 stars; one submission).

Conditions:
Cystic fibrosis (CF). Also called: MUCOVISCIDOSIS. Identifiers: Orphanet 586, MedGen C0010674, MONDO:0009061, OMIM 219700. Disease mechanism: loss of function.

Allele frequency attached by ClinVar (database versions not stated): gnomAD exomes below 0.00001.
gnomAD v4.1: 1 of 1,533,606 alleles (0.000065%); highest among the groups gnomAD compares: Non-Finnish European, 0.000087%; no homozygotes.

Submission:

Ambry Genetics
Classification: Uncertain significance for Cystic fibrosis. Last evaluated: 2025-06-22. Review status: criteria provided, single submitter. Criteria: Ambry Variant Classification Scheme 2023. Collection method: clinical testing. Allele origin: germline.
Comment: The p.Q781E variant (also known as c.2341C>G), located in coding exon 14 of the CFTR gene, results from a C to G substitution at nucleotide position 2341. The glutamine at codon 781 is replaced by glutamic acid, an amino acid with highly similar properties. This amino acid position is conserved. In addition, the in silico prediction for this alteration is inconclusive. Since supporting evidence is limited at this time, the clinical significance of this alteration remains unclear.

NM_000492.4(CFTR):c.2341C>G (p.Gln781Glu)

Gene: CFTR (CF transmembrane conductance regulator; plus strand). Cytogenetic location: 7q31.2.
Variant type: single nucleotide variant.
Coding change: c.2341C>G on transcript NM_000492.4 (MANE Select); coding-DNA position 2341, C replaced by G.
Protein change: p.Gln781Glu; replaces glutamine 781 with glutamic acid.
Molecular consequence: missense variant.
Genome position (GRCh38, 1-based): chr7:117,592,508, C>G. VCF-style: chr7-117592508-C-G. GRCh37 (hg19) VCF-style: chr7-117232562-C-G.
Other names: short protein forms Q781E.
Identifiers: ClinVar variation 2447425 (VCV002447425.3), dbSNP rs397508368, ClinGen allele CA368981015.